The following is an entry in ClinVar:

NM_000426.4(LAMA2):c.4733G>A (p.Cys1578Tyr)

Gene: LAMA2 (laminin subunit alpha 2; plus strand). Cytogenetic location: 6q22.33.
Variant type: single nucleotide variant.
Coding change: c.4733G>A on transcript NM_000426.4 (MANE Select); coding-DNA position 4733, G replaced by A.
Protein change: p.Cys1578Tyr; replaces cysteine 1578 with tyrosine.
Molecular consequence: missense variant.
Genome position (GRCh38, 1-based): chr6:129,366,234, G>A. VCF-style: chr6-129366234-G-A. GRCh37 (hg19) VCF-style: chr6-129687379-G-A.
Other names: c.4733G>A, p.Cys1578Tyr (NM_001079823.2); short protein forms C1578Y.
Identifiers: ClinVar variation 1717310 (VCV001717310.6), dbSNP rs779858148, ClinGen allele CA365622562.
Genomic context (GRCh38, chr6:129,366,234, plus strand): 5'-GATGTTTAGCAGAAGTAACTACTCTTTGTCACTTCTCTTTCACAGTTTGTGGAGATGAGT[G>A]CACTGGCCTTCTTCTCGGTGACTTGGCTCGCCTGGAGCAGATGGTCATGAGCATCAACCT-3'
Protein context (NP_000417.3, residues 1568-1588): GWECVFCGDE[Cys1578Tyr]TGLLLGDLAR

ClinVar aggregate classification (germline): Uncertain significance (1 of 4 stars; one submission).

Conditions:
LAMA2-related muscular dystrophy (LAMA2-RD). Also called: Laminin alpha 2-related dystrophy. Identifiers: MedGen C5679788, MONDO:0100228.

gnomAD v4.1: 1 of 1,613,726 alleles (0.000062%); highest among the groups gnomAD compares: Non-Finnish European, 0.000085%; no homozygotes.

Submission:

Labcorp Genetics (formerly Invitae), Labcorp
Classification: Uncertain significance for LAMA2-related muscular dystrophy. Last evaluated: 2022-08-21. Review status: criteria provided, single submitter. Criteria: Invitae Variant Classification Sherloc (09022015). Collection method: clinical testing. Allele origin: germline.
Comment: Advanced modeling of protein sequence and biophysical properties (such as structural, functional, and spatial information, amino acid conservation, physicochemical variation, residue mobility, and thermodynamic stability) performed at Invitae indicates that this missense variant is not expected to disrupt LAMA2 protein function. In summary, the available evidence is currently insufficient to determine the role of this variant in disease. Therefore, it has been classified as a Variant of Uncertain Significance. This variant has not been reported in the literature in individuals affected with LAMA2-related conditions. This variant is not present in population databases (gnomAD no frequency). This sequence change replaces cysteine, which is neutral and slightly polar, with tyrosine, which is neutral and polar, at codon 1578 of the LAMA2 protein (p.Cys1578Tyr).